The following is an entry in ClinVar:

NM_001282860.2(GON4L):c.6250C>A (p.Arg2084=)

Gene: GON4L (gon-4 like; minus strand). Cytogenetic location: 1q22.
Variant type: single nucleotide variant.
Coding change: c.6250C>A on transcript NM_001282860.2 (MANE Select); coding-DNA position 6250, C replaced by A.
Protein change: p.Arg2084=; no amino-acid change (arginine 2084 retained).
Molecular consequence: synonymous variant.
Genome position (GRCh38, 1-based): chr1:155,752,183, G>T on the plus strand (C>A on the coding strand, the complement: GON4L is on the minus strand). VCF-style: chr1-155752183-G-T. GRCh37 (hg19) VCF-style: chr1-155721974-G-T.
Other names: c.6250C>A, p.Arg2084= (NM_001282856.2); c.6247C>A, p.Arg2083= (NM_001282858.2).
Identifiers: ClinVar variation 2639436 (VCV002639436.24), dbSNP rs1756236, ClinGen allele CA1150014.

ClinVar aggregate classification (germline): Likely benign (1 of 4 stars; one submission).

Allele frequency attached by ClinVar (database versions not stated): 1000 Genomes Project 30x 0.00234.

Submission:

CeGaT Center for Human Genetics Tuebingen
Classification: Likely benign. Last evaluated: 2023-02-01. Review status: criteria provided, single submitter. Criteria: CeGaT Center For Human Genetics Tuebingen Variant Classification Criteria Version 2. Collection method: clinical testing. Allele origin: germline. Affected: yes. Observed: 2 variant alleles.
Comment: GON4L: BP4, BP7